The following is an entry in ClinVar:

NM_001369268.1(ACAN):c.5C>T (p.Thr2Ile)

Gene: ACAN (aggrecan; plus strand). Cytogenetic location: 15q26.1.
Variant type: single nucleotide variant.
Coding change: c.5C>T on transcript NM_001369268.1 (MANE Select); coding-DNA position 5, C replaced by T.
Protein change: p.Thr2Ile; replaces threonine 2 with isoleucine.
Molecular consequence: missense variant.
Genome position (GRCh38, 1-based): chr15:88,836,211, C>T. VCF-style: chr15-88836211-C-T. GRCh37 (hg19) VCF-style: chr15-89379442-C-T.
Other names: c.5C>T, p.Thr2Ile (NM_001135.4, NM_001411096.1, NM_001411097.1 and 1 more transcripts); short protein forms T2I.
Identifiers: ClinVar variation 4708218 (VCV004708218.1).

ClinVar aggregate classification (germline): Uncertain significance (1 of 4 stars; one submission).

gnomAD v4.1: 40 of 1,613,556 alleles (0.0025%); highest among the groups gnomAD compares: Non-Finnish European, 0.0031%; no homozygotes.

Submission:

Labcorp Genetics (formerly Invitae), Labcorp
Classification: Uncertain significance. Last evaluated: 2025-04-07. Review status: criteria provided, single submitter. Criteria: Invitae Variant Classification Sherloc (09022015). Collection method: clinical testing. Allele origin: germline.
Comment: This sequence change replaces threonine, which is neutral and polar, with isoleucine, which is neutral and non-polar, at codon 2 of the ACAN protein (p.Thr2Ile). This variant is present in population databases (rs770071622, gnomAD 0.003%). This variant has not been reported in the literature in individuals affected with ACAN-related conditions. Invitae Evidence Modeling of protein sequence and biophysical properties (such as structural, functional, and spatial information, amino acid conservation, physicochemical variation, residue mobility, and thermodynamic stability) indicates that this missense variant is not expected to disrupt ACAN protein function with a negative predictive value of 80%. In summary, the available evidence is currently insufficient to determine the role of this variant in disease. Therefore, it has been classified as a Variant of Uncertain Significance.